The following is an entry in ClinVar:

NM_006852.6(TLK2):c.1191G>C (p.Glu397Asp)

Gene: TLK2 (tousled like kinase 2; plus strand). Cytogenetic location: 17q23.2.
Variant type: single nucleotide variant.
Coding change: c.1191G>C on transcript NM_006852.6 (MANE Select); coding-DNA position 1191, G replaced by C.
Protein change: p.Glu397Asp; replaces glutamic acid 397 with aspartic acid.
Molecular consequence: missense variant.
Genome position (GRCh38, 1-based): chr17:62,578,479, G>C. VCF-style: chr17-62578479-G-C. GRCh37 (hg19) VCF-style: chr17-60655840-G-C.
Other names: c.1233G>C, p.Glu411Asp (NM_001375269.1); c.744G>C, p.Glu248Asp (NM_001375273.1, NM_001330418.3); c.906G>C, p.Glu302Asp (NM_001411074.1); c.1191G>C, p.Glu397Asp (NM_001375270.1, NM_001375271.1); c.1095G>C, p.Glu365Asp (NM_001375272.1, NM_001284363.1); c.1257G>C, p.Glu419Asp (NM_001284333.3); short protein forms E419D, E248D, E302D, E365D, E397D, E411D.
Identifiers: ClinVar variation 3897076 (VCV003897076.1).

ClinVar aggregate classification (germline): Uncertain significance (1 of 4 stars; one submission).

Submission:

GeneDx
Classification: Uncertain significance. Last evaluated: 2024-11-04. Review status: criteria provided, single submitter. Criteria: GeneDx Variant Classification Process June 2021. Collection method: clinical testing. Allele origin: germline. Affected: yes.
Comment: Not observed at significant frequency in large population cohorts (gnomAD); In silico analysis supports that this missense variant has a deleterious effect on protein structure/function; Has not been previously published as pathogenic or benign to our knowledge